The following is an entry in ClinVar:

NC_000009.12:g.109167258C>T

Gene: FRRS1L (ferric chelate reductase 1 like; minus strand). Cytogenetic location: 9q31.3.
Variant type: single nucleotide variant.
Genome position: GRCh38 VCF-style: chr9-109167258-C-T. GRCh37 (hg19) VCF-style: chr9-111929538-C-T.
Identifiers: ClinVar variation 1377026 (VCV001377026.3), dbSNP rs778806715, ClinGen allele CA5177501.

ClinVar aggregate classification (germline): Uncertain significance (1 of 4 stars; one submission).

Conditions:
Developmental and epileptic encephalopathy, 37 (DEE37). Also called: Epileptic encephalopathy, early infantile, 37. Identifiers: MedGen C4310770, MONDO:0014859, OMIM 616981.

Allele frequency attached by ClinVar (database versions not stated): TOPMed below 0.00001; gnomAD exomes 0.00001.

Submission:

Labcorp Genetics (formerly Invitae), Labcorp
Classification: Uncertain significance for Developmental and epileptic encephalopathy, 37. Last evaluated: 2021-08-23. Review status: criteria provided, single submitter. Criteria: Invitae Variant Classification Sherloc (09022015). Collection method: clinical testing. Allele origin: germline.
Comment: This sequence change replaces glycine with arginine at codon 12 of the FRRS1L protein (p.Gly12Arg). The glycine residue is weakly conserved and there is a moderate physicochemical difference between glycine and arginine. The frequency data for this variant in the population databases is considered unreliable, as metrics indicate poor data quality at this position in the ExAC database. This variant has not been reported in the literature in individuals affected with FRRS1L-related conditions. Algorithms developed to predict the effect of missense changes on protein structure and function are either unavailable or do not agree on the potential impact of this missense change (SIFT: "Deleterious"; PolyPhen-2: "Not Available"; Align-GVGD: "Class C0"). In summary, the available evidence is currently insufficient to determine the role of this variant in disease. Therefore, it has been classified as a Variant of Uncertain Significance.